The following is an entry in ClinVar:

NM_177438.3(DICER1):c.3601C>G (p.Gln1201Glu)

Gene: DICER1 (dicer 1, ribonuclease III; minus strand). Cytogenetic location: 14q32.13.
Variant type: single nucleotide variant.
Coding change: c.3601C>G on transcript NM_177438.3 (MANE Select); coding-DNA position 3601, C replaced by G.
Protein change: p.Gln1201Glu; replaces glutamine 1201 with glutamic acid.
Molecular consequence: missense variant.
Genome position (GRCh38, 1-based): chr14:95,103,795, G>C on the plus strand (C>G on the coding strand, the complement: DICER1 is on the minus strand). VCF-style: chr14-95103795-G-C. GRCh37 (hg19) VCF-style: chr14-95570132-G-C.
Other names: c.3601C>G, p.Gln1201Glu (NM_030621.4, NM_001195573.1, NM_001271282.3 and 1 more transcripts); short protein forms Q1201E.
Identifiers: ClinVar variation 569182 (VCV000569182.10), dbSNP rs1566768179, ClinGen allele CA390874735.

ClinVar aggregate classification (germline): Uncertain significance (1 of 4 stars; one submission).

Conditions:
DICER1-related tumor predisposition. Also called: DICER1 syndrome; DICER1-related pleuropulmonary blastoma cancer predisposition syndrome. Identifiers: Orphanet 284343, MedGen C3839822, MONDO:0100216.

Submission:

Labcorp Genetics (formerly Invitae), Labcorp
Classification: Uncertain significance for DICER1-related tumor predisposition. Last evaluated: 2024-02-06. Review status: criteria provided, single submitter. Criteria: Invitae Variant Classification Sherloc (09022015). Collection method: clinical testing. Allele origin: germline.
Comment: This sequence change replaces glutamine, which is neutral and polar, with glutamic acid, which is acidic and polar, at codon 1201 of the DICER1 protein (p.Gln1201Glu). This variant is not present in population databases (gnomAD no frequency). This variant has not been reported in the literature in individuals affected with DICER1-related conditions. ClinVar contains an entry for this variant (Variation ID: 569182). Advanced modeling of protein sequence and biophysical properties (such as structural, functional, and spatial information, amino acid conservation, physicochemical variation, residue mobility, and thermodynamic stability) performed at Invitae indicates that this missense variant is not expected to disrupt DICER1 protein function with a negative predictive value of 80%. In summary, the available evidence is currently insufficient to determine the role of this variant in disease. Therefore, it has been classified as a Variant of Uncertain Significance.